The following is an entry in ClinVar:

NM_005219.5(DIAPH1):c.3196A>G (p.Ile1066Val)

Gene: DIAPH1 (diaphanous related formin 1; minus strand). Cytogenetic location: 5q31.3.
Variant type: single nucleotide variant.
Coding change: c.3196A>G on transcript NM_005219.5 (MANE Select); coding-DNA position 3196, A replaced by G.
Protein change: p.Ile1066Val; replaces isoleucine 1066 with valine.
Molecular consequence: missense variant.
Genome position (GRCh38, 1-based): chr5:141,527,650, T>C on the plus strand (A>G on the coding strand, the complement: DIAPH1 is on the minus strand). VCF-style: chr5-141527650-T-C. GRCh37 (hg19) VCF-style: chr5-140907217-T-C.
Other names: c.3169A>G, p.Ile1057Val (NM_001079812.3); c.3196A>G, p.Ile1066Val (NM_001314007.2); short protein forms I1057V, I1066V.
Identifiers: ClinVar variation 4790508 (VCV004790508.1).

ClinVar aggregate classification (germline): Uncertain significance (1 of 4 stars; one submission).

Conditions:
Progressive microcephaly-seizures-cortical blindness-developmental delay syndrome. Also called: Seizures, cortical blindness, and microcephaly syndrome. Identifiers: Orphanet 477814, MedGen C5567650, MONDO:0014714, OMIM 616632.
Autosomal dominant nonsyndromic hearing loss 1. Also called: KONIGSMARK SYNDROME; DEAFNESS, AUTOSOMAL DOMINANT 1, WITH OR WITHOUT THROMBOCYTOPENIA. Identifiers: Orphanet 90635, MedGen C1852282, MONDO:0007424, OMIM 124900.

gnomAD v4.1: 1 of 1,609,528 alleles (0.000062%); highest among the groups gnomAD compares: Non-Finnish European, 0.000085%; no homozygotes.

Submission:

Labcorp Genetics (formerly Invitae), Labcorp
Classification: Uncertain significance for Progressive microcephaly-seizures-cortical blindness-developmental delay syndrome; Autosomal dominant nonsyndromic hearing loss 1. Last evaluated: 2025-08-12. Review status: criteria provided, single submitter. Criteria: Invitae Variant Classification Sherloc (09022015). Collection method: clinical testing. Allele origin: germline.
Comment: This sequence change replaces isoleucine, which is neutral and non-polar, with valine, which is neutral and non-polar, at codon 1066 of the DIAPH1 protein (p.Ile1066Val). This variant is not present in population databases (gnomAD no frequency). This variant has not been reported in the literature in individuals affected with DIAPH1-related conditions. An algorithm developed to predict the effect of missense changes on protein structure and function (PolyPhen-2) suggests that this variant is likely to be disruptive. In summary, the available evidence is currently insufficient to determine the role of this variant in disease. Therefore, it has been classified as a Variant of Uncertain Significance.